The following is an entry in ClinVar:

ClinVar aggregate classification (germline): Conflicting classifications of pathogenicity. Review status: criteria provided, conflicting classifications (1 of 4 stars). 10 submissions from 10 submitters: Uncertain significance (8); Likely benign (1). 1 of the submissions does not count toward it. Last evaluated 2026-01-24.

Conditions:
Miyoshi muscular dystrophy 1 (MMD1). Identifiers: Orphanet 45448, MedGen C4551973, MONDO:0024545, OMIM 254130.
Autosomal recessive limb-girdle muscular dystrophy type 2B (LGMDR2). Also called: MUSCULAR DYSTROPHY, LIMB-GIRDLE, TYPE 3; Limb-Girdle Muscular Dystrophy Type 2B (LGMD2B); MUSCULAR DYSTROPHY, LIMB-GIRDLE, AUTOSOMAL RECESSIVE 2; Limb-girdle muscular dystrophy, type 2B. Identifiers: Orphanet 268, MedGen C1850889, MONDO:0009676, OMIM 253601.
Distal myopathy with anterior tibial onset. Identifiers: Orphanet 178400, MedGen C1847532, MONDO:0011721, OMIM 606768.
DYSF-related disorder. Also called: DYSF-related condition; DYSF-related disorders.
Neuromuscular disease caused by qualitative or quantitative defects of dysferlin. Also called: Qualitative or quantitative defects of dysferlin; Dysferlinopathy. Identifiers: Orphanet 207073, MedGen C2931687, MONDO:0016145.

Allele frequency attached by ClinVar (database versions not stated): 1000 Genomes Project 30x 0.00016; 1000 Genomes Project 0.00020; ExAC 0.00030; gnomAD exomes 0.00039 and 0.00098; gnomAD 0.00041; TOPMed 0.00054; ESP Exome Variant Server 0.00085.
gnomAD v4.1: 1,503 of 1,614,234 alleles (0.093%); highest among the groups gnomAD compares: Non-Finnish European, 0.12%; 2 homozygotes.

Submissions (11):

Labcorp Genetics (formerly Invitae), Labcorp
Classification: Likely benign for Neuromuscular disease caused by qualitative or quantitative defects of dysferlin. Last evaluated: 2026-01-24. Review status: criteria provided, single submitter. Criteria: Invitae Variant Classification Sherloc (09022015). Collection method: clinical testing. Allele origin: germline.

PreventionGenetics, part of Exact Sciences
Classification: Uncertain significance for DYSF-related condition. Last evaluated: 2025-07-09. Review status: criteria provided, single submitter. Criteria: ACMG Guidelines, 2015. Collection method: clinical testing. Allele origin: germline.
Comment: The DYSF c.2423G>A variant is predicted to result in the amino acid substitution p.Arg808Gln. This variant was reported in a 3 individuals in large cohort studies of neuromuscular disorders ; however, pathogenicity was not established and the variant was categorized as uncertain (See Table S7 in Nallamilli et al 2018. PubMed ID: 30564623; reported as c.2477G>A (NM_001130987.1) Supp. Table S4 in Töpf A et al 2020. PubMed ID: 32528171). This variant is reported in 0.074% of alleles in individuals of European (Non-Finnish) descent in gnomAD, including 1 homozygote. At this time, the clinical significance of this variant is uncertain due to the absence of conclusive functional and genetic evidence.

Revvity Omics, Revvity
Classification: Uncertain significance. Last evaluated: 2025-02-26. Review status: criteria provided, single submitter. Criteria: ACMG Guidelines, 2015. Collection method: clinical testing. Allele origin: germline.

Blueprint Genetics
Classification: Uncertain significance. Last evaluated: 2024-11-21. Review status: criteria provided, single submitter. Criteria: ACMG Guidelines, 2015. Collection method: clinical testing. Allele origin: germline.

GeneDx
Classification: Uncertain significance. Last evaluated: 2024-05-15. Review status: criteria provided, single submitter. Criteria: GeneDx Variant Classification Process June 2021. Collection method: clinical testing. Allele origin: germline. Affected: yes.
Comment: In silico analysis supports that this missense variant has a deleterious effect on protein structure/function; This variant is associated with the following publications: (PMID: 24438169, 32528171, 30564623)

Fulgent Genetics
Classification: Uncertain significance for Autosomal recessive limb-girdle muscular dystrophy type 2B; Miyoshi muscular dystrophy 1; Distal myopathy with anterior tibial onset. Last evaluated: 2022-05-02. Review status: criteria provided, single submitter. Criteria: ACMG Guidelines, 2015. Collection method: clinical testing. Allele origin: unknown.

Victorian Clinical Genetics Services, Murdoch Childrens Research Institute
Classification: Uncertain significance for Autosomal recessive limb-girdle muscular dystrophy type 2B. Last evaluated: 2022-03-31. Review status: criteria provided, single submitter. Criteria: ACMG Guidelines, 2015. Collection method: clinical testing. Allele origin: germline. Inheritance: Autosomal recessive inheritance.
Comment: Based on the classification scheme VCGS_Germline_v1.3.4, this variant is classified as VUS-3B. Following criteria are met: 0102 - Loss of function is a known mechanism of disease in this gene and is associated with Miyoshi muscular dystrophy 1 (MIM#254130), muscular dystrophy, limb-girdle, autosomal recessive 2 (MIM#253601) and myopathy, distal, with anterior tibial onset (MIM#606768). (I) 0106 - This gene is associated with autosomal recessive disease. (I) 0115 - Variants in this gene are known to have variable expressivity (OMIM). (I) 0200 - Variant is predicted to result in a missense amino acid change from arginine to glutamine. (I) 0251 - This variant is heterozygous. (I) 0304 - Variant is present in gnomAD <0.01 for a recessive condition (v2: 105 heterozygotes, 1 homozygote). (SP) 0309 - An alternative amino acid change at the same position has been observed in gnomAD (v2: 1 heterozygote, 0 homozygotes). (I) 0502 - Missense variant with conflicting in silico predictions and uninformative conservation. (I) 0600 - Variant is located in the annotated FerB domain (DECIPHER). (I) 0705 - No comparable missense variants have previous evidence for pathogenicity. (I) 0809 - Previous evidence of pathogenicity for this variant is inconclusive. It has been reported as a VUS in individuals with proximal muscle weakness or limb girdle muscular dystrophy, either with an unspecified zygosity or as single hits (PMID: 30564623, 32528171). This variant is also consistently classified as a VUS by diagnostic laboratories in ClinVar. (I) 0905 - No published segregation evidence has been identified for this variant. (I) 1007 - No published functional evidence has been identified for this variant. (I) 1208 - Inheritance information for this variant is not currently available in this individual. (I) Legend: (SP) - Supporting pathogenic, (I) - Information, (SB) - Supporting benign

Illumina Laboratory Services, Illumina
Classification: Uncertain significance for Qualitative or quantitative defects of dysferlin. Last evaluated: 2018-01-12. Review status: criteria provided, single submitter. Criteria: ICSL Variant Classification Criteria 13 December 2019. Collection method: clinical testing. Allele origin: germline.

Eurofins Ntd Llc (ga)
Classification: Uncertain significance. Last evaluated: 2018-01-02. Review status: criteria provided, single submitter. Criteria: EGL Classification Definitions 2015. Collection method: clinical testing. Allele origin: germline. Observed: 9 variant alleles, 8 heterozygotes, 1 homozygote.

Natera, Inc.
Classification: Uncertain significance for Limb-girdle muscular dystrophy type 2B. Last evaluated: 2020-01-01. Review status: no assertion criteria provided. Collection method: clinical testing. Allele origin: germline. Not counted in ClinVar's aggregate classification.

Dr. Peter K. Rogan Lab, Western University
No classification provided (evidence only). Condition: Acute myeloid leukemia. Review status: no classification provided. Collection method: in vitro. Allele origin: not applicable. Functional consequence: retained intron. Not counted in ClinVar's aggregate classification.

Literature cited by the submitters: PubMed 30564623 (cited by Victorian Clinical Genetics Services, Murdoch Childrens Research Institute); PubMed 32528171 (cited by Victorian Clinical Genetics Services, Murdoch Childrens Research Institute).

NM_001130987.2(DYSF):c.2477G>A (p.Arg826Gln)

Gene: DYSF (dysferlin; plus strand). Cytogenetic location: 2p13.2.
Variant type: single nucleotide variant.
Coding change: c.2477G>A on transcript NM_001130987.2 (MANE Select); coding-DNA position 2477, G replaced by A.
Protein change: p.Arg826Gln; replaces arginine 826 with glutamine.
Molecular consequence: missense variant.
Genome position (GRCh38, 1-based): chr2:71,564,125, G>A. VCF-style: chr2-71564125-G-A. GRCh37 (hg19) VCF-style: chr2-71791255-G-A.
Other names: c.2426G>A, p.Arg809Gln (NM_001130455.2, NM_001130983.2); c.2381G>A, p.Arg794Gln (NM_001130976.2, NM_001130977.2); c.2423G>A, p.Arg808Gln (NM_001130978.2, NM_003494.4); c.2516G>A, p.Arg839Gln (NM_001130979.2); c.2474G>A, p.Arg825Gln (NM_001130980.2, NM_001130981.2); c.2519G>A, p.Arg840Gln (NM_001130982.2); c.2384G>A, p.Arg795Gln (NM_001130984.2, NM_001130986.2); c.2477G>A, p.Arg826Gln (NM_001130985.2); and 1 more; short protein forms R808Q, R826Q, R809Q, R839Q, R840Q, R795Q, R794Q, R825Q.
Identifiers: ClinVar variation 283977 (VCV000283977.29), dbSNP rs35297901, ClinGen allele CA1706183.
Genomic context (GRCh38, chr2:71,564,125, plus strand): 5'-ACAGCCTGCCGGACATCGTCATCTGGATGCTGCAGGGAGACAAGCGTGTGGCATACCAGC[G>A]GGTGCCCGCCCACCAAGTCCTCTTCTCCCGGCGGGGTGCCAACTACTGTGGCAAGAATTG-3'
Protein context (NP_001124459.1, residues 816-836): LQGDKRVAYQ[Arg826Gln]VPAHQVLFSR